The following is an entry in ClinVar:

ClinVar aggregate classification (germline): Uncertain significance (1 of 4 stars; one submission).

Allele frequency attached by ClinVar (database versions not stated): TOPMed below 0.00001; gnomAD 0.00001.
gnomAD v4.1: 1 of 1,580,472 alleles (0.000063%); highest among the groups gnomAD compares: Non-Finnish European, 0.000086%; no homozygotes.

Submission:

Labcorp Genetics (formerly Invitae), Labcorp
Classification: Uncertain significance. Last evaluated: 2022-10-01. Review status: criteria provided, single submitter. Criteria: Invitae Variant Classification Sherloc (09022015). Collection method: clinical testing. Allele origin: germline.
Comment: This variant is not present in population databases (gnomAD no frequency). This sequence change replaces isoleucine, which is neutral and non-polar, with valine, which is neutral and non-polar, at codon 752 of the SLC9A3 protein (p.Ile752Val). This variant has not been reported in the literature in individuals affected with SLC9A3-related conditions. In summary, the available evidence is currently insufficient to determine the role of this variant in disease. Therefore, it has been classified as a Variant of Uncertain Significance. Algorithms developed to predict the effect of missense changes on protein structure and function are either unavailable or do not agree on the potential impact of this missense change (SIFT: "Not Available"; PolyPhen-2: "Benign"; Align-GVGD: "Not Available").

NM_004174.4(SLC9A3):c.2254A>G (p.Ile752Val)

Genes: SLC9A3 (solute carrier family 9 member A3), SLC9A3-AS1 (SLC9A3 antisense RNA 1; plus strand). Cytogenetic location: 5p15.33.
Variant type: single nucleotide variant.
Coding change: c.2254A>G on transcript NM_004174.4 (MANE Select); coding-DNA position 2254, A replaced by G.
Protein change: p.Ile752Val; replaces isoleucine 752 with valine.
Molecular consequence: missense variant.
Genome position (GRCh38, 1-based): chr5:475,130, T>C on the plus strand (A>G on the coding strand, the complement: SLC9A3 is on the minus strand). VCF-style: chr5-475130-T-C. GRCh37 (hg19) VCF-style: chr5-475245-T-C.
Other names: c.2227A>G, p.Ile743Val (NM_001284351.3); short protein forms I743V, I752V.
Identifiers: ClinVar variation 1720737 (VCV001720737.5), dbSNP rs1228018863, ClinGen allele CA359023702.